The following is an entry in ClinVar:

NM_006363.6(SEC23B):c.1665+6T>C

Gene: SEC23B (SEC23 homolog B, COPII component; plus strand). Cytogenetic location: 20p11.23.
Variant type: single nucleotide variant.
Coding change: c.1665+6T>C on transcript NM_006363.6 (MANE Select); 6 bases into the intron after coding-DNA position 1665, T replaced by C.
Molecular consequence: intron variant.
Genome position (GRCh38, 1-based): chr20:18,543,178, T>C. VCF-style: chr20-18543178-T-C. GRCh37 (hg19) VCF-style: chr20-18523822-T-C.
Other names: c.1665+6T>C (NM_032986.5, NM_001172745.3, NM_032985.6); c.1611+6T>C (NM_001172746.3).
Identifiers: ClinVar variation 571371 (VCV000571371.22), dbSNP rs371786580, ClinGen allele CA9778440.

ClinVar aggregate classification (germline): Conflicting classifications of pathogenicity. Review status: criteria provided, conflicting classifications (1 of 4 stars). 6 submissions from 6 submitters: Uncertain significance (4); Likely benign (1). 1 of the submissions does not count toward it. Last evaluated 2025-07-03.

Conditions:
Congenital dyserythropoietic anemia, type II (CDAN2). Also called: DYSERYTHROPOIETIC ANEMIA, HEMPAS TYPE. Identifiers: Orphanet 98873, MedGen C1306589, MONDO:0009134, OMIM 224100.
SEC23B-related disorder. Also called: SEC23B-related condition; SEC23B-related disorders.
Cowden syndrome 7 (CWS7). Identifiers: Orphanet 201, MedGen C4225179, MONDO:0014802, OMIM 616858.

Allele frequency attached by ClinVar (database versions not stated): TOPMed 0.00041; gnomAD 0.00044 and 0.00046; gnomAD exomes 0.00045; ExAC 0.00056; ESP Exome Variant Server 0.00069.
gnomAD v4.1: 1,020 of 1,614,028 alleles (0.063%); highest among the groups gnomAD compares: Non-Finnish European, 0.082%; 3 homozygotes.

Submissions (7):

GeneDx
Classification: Uncertain significance. Last evaluated: 2025-07-03. Review status: criteria provided, single submitter. Criteria: GeneDx Variant Classification Process June 2021. Collection method: clinical testing. Allele origin: germline.
Comment: Has not been previously published as pathogenic or benign to our knowledge; In silico analysis is inconclusive as to whether the variant alters gene splicing. In the absence of RNA/functional studies, the actual effect of this sequence change is unknown.

Revvity Omics, Revvity
Classification: Uncertain significance. Last evaluated: 2024-08-13. Review status: criteria provided, single submitter. Criteria: ACMG Guidelines, 2015. Collection method: clinical testing. Allele origin: germline.

Labcorp Genetics (formerly Invitae), Labcorp
Classification: Uncertain significance for Congenital dyserythropoietic anemia, type II; Cowden syndrome 7. Last evaluated: 2022-10-14. Review status: criteria provided, single submitter. Criteria: Invitae Variant Classification Sherloc (09022015). Collection method: clinical testing. Allele origin: germline.
Comment: This sequence change falls in intron 14 of the SEC23B gene. It does not directly change the encoded amino acid sequence of the SEC23B protein. It affects a nucleotide within the consensus splice site. This variant is present in population databases (rs371786580, gnomAD 0.08%), and has an allele count higher than expected for a pathogenic variant. This variant has not been reported in the literature in individuals affected with SEC23B-related conditions. ClinVar contains an entry for this variant (Variation ID: 571371). Variants that disrupt the consensus splice site are a relatively common cause of aberrant splicing (PMID: 17576681, 9536098). Algorithms developed to predict the effect of sequence changes on RNA splicing suggest that this variant may disrupt the consensus splice site. In summary, the available evidence is currently insufficient to determine the role of this variant in disease. Therefore, it has been classified as a Variant of Uncertain Significance.

ARUP Laboratories, Molecular Genetics and Genomics, ARUP Laboratories
Classification: Likely benign. Last evaluated: 2021-07-02. Review status: criteria provided, single submitter. Criteria: ARUP Molecular Germline Variant Investigation Process 2021. Collection method: clinical testing. Allele origin: germline.

Illumina Laboratory Services, Illumina
Classification: Uncertain significance for Congenital dyserythropoietic anemia, type II. Last evaluated: 2018-01-12. Review status: criteria provided, single submitter. Criteria: ICSL Variant Classification Criteria 13 December 2019. Collection method: clinical testing. Allele origin: germline.

PreventionGenetics, part of Exact Sciences
Classification: Likely benign for SEC23B-related condition. Last evaluated: 2024-07-17. Review status: no assertion criteria provided. Collection method: clinical testing. Allele origin: germline. Not counted in ClinVar's aggregate classification.
Comment: This variant is classified as likely benign based on ACMG/AMP sequence variant interpretation guidelines (Richards et al. 2015 PMID: 25741868, with internal and published modifications).

Dr. Peter K. Rogan Lab, Western University
No classification provided (evidence only). Condition: Sarcoma. Review status: no classification provided. Collection method: in vitro. Allele origin: not applicable. Functional consequence: retained intron. Not counted in ClinVar's aggregate classification.

Literature cited by the submitters: PubMed 17576681 (cited by Labcorp Genetics (formerly Invitae), Labcorp); PubMed 9536098 (cited by Labcorp Genetics (formerly Invitae), Labcorp).